The following is an entry in ClinVar:

ClinVar aggregate classification (germline): Uncertain significance. Review status: criteria provided, multiple submitters, no conflicts (2 of 4 stars). 2 submissions from 2 submitters: Uncertain significance (2). Last evaluated 2022-02-04.

Conditions:
Eichsfeld type congenital muscular dystrophy (CMYO3). Also called: Rigid spine muscular dystrophy 1; MYOPATHY, SEPN1-RELATED; SELENON-related myopathy; Congenital myopathy 3 with rigid spine. Identifiers: MedGen C0410180, MONDO:0100100, OMIM 602771.

Allele frequency attached by ClinVar (database versions not stated): gnomAD exomes below 0.00001; TOPMed below 0.00001.
gnomAD v4.1: 4 of 1,612,808 alleles (0.00025%); highest among the groups gnomAD compares: Non-Finnish European, 0.00034%; no homozygotes.

Submissions (2):

Labcorp Genetics (formerly Invitae), Labcorp
Classification: Uncertain significance for Eichsfeld type congenital muscular dystrophy. Last evaluated: 2022-02-04. Review status: criteria provided, single submitter. Criteria: Invitae Variant Classification Sherloc (09022015). Collection method: clinical testing. Allele origin: germline.
Comment: This variant has not been reported in the literature in individuals affected with SELENON-related conditions. This variant is present in population databases (no rsID available, gnomAD 0.0009%). This sequence change falls in intron 1 of the SELENON gene. It does not directly change the encoded amino acid sequence of the SELENON protein. It affects a nucleotide within the consensus splice site. In summary, the available evidence is currently insufficient to determine the role of this variant in disease. Therefore, it has been classified as a Variant of Uncertain Significance. Variants that disrupt the consensus splice site are a relatively common cause of aberrant splicing (PMID: 17576681, 9536098). Algorithms developed to predict the effect of sequence changes on RNA splicing suggest that this variant may disrupt the consensus splice site. ClinVar contains an entry for this variant (Variation ID: 530812).

Revvity Omics, Revvity
Classification: Uncertain significance for Eichsfeld type congenital muscular dystrophy. Last evaluated: 2021-04-13. Review status: criteria provided, single submitter. Criteria: ACMG Guidelines, 2015. Collection method: clinical testing. Allele origin: germline.

Literature cited by the submitters: PubMed 17576681 (cited by Labcorp Genetics (formerly Invitae), Labcorp); PubMed 9536098 (cited by Labcorp Genetics (formerly Invitae), Labcorp).

NM_206926.2(SELENON):c.184-3C>T

Gene: SELENON (selenoprotein N; plus strand). Cytogenetic location: 1p36.11.
Variant type: single nucleotide variant.
Coding change: c.184-3C>T on transcript NM_206926.2 (MANE Select); 3 bases into the intron before coding-DNA position 184, C replaced by T.
Molecular consequence: intron variant.
Genome position (GRCh38, 1-based): chr1:25,801,040, C>T. VCF-style: chr1-25801040-C-T. GRCh37 (hg19) VCF-style: chr1-26127531-C-T.
Other names: c.184-3C>T (NM_020451.3).
Identifiers: ClinVar variation 530812 (VCV000530812.11), dbSNP rs1035976243, ClinGen allele CA19693366.